The following is an entry in ClinVar:

NM_005219.5(DIAPH1):c.*1347C>G

Gene: DIAPH1 (diaphanous related formin 1; minus strand). Cytogenetic location: 5q31.3.
Variant type: single nucleotide variant.
Coding change: c.*1347C>G on transcript NM_005219.5 (MANE Select); 1347 bases downstream of the stop codon, C replaced by G.
Molecular consequence: 3 prime UTR variant.
Genome position (GRCh38, 1-based): chr5:141,515,504, G>C on the plus strand (C>G on the coding strand, the complement: DIAPH1 is on the minus strand). VCF-style: chr5-141515504-G-C. GRCh37 (hg19) VCF-style: chr5-140895071-G-C.
Other names: c.*1347C>G (NM_001079812.3); c.*1466C>G (NM_001314007.2).
Identifiers: ClinVar variation 351265 (VCV000351265.5), dbSNP rs251020, ClinGen allele CA10619187.

ClinVar aggregate classification (germline): Benign (1 of 4 stars; one submission).

Conditions:
Autosomal dominant nonsyndromic hearing loss 1. Also called: KONIGSMARK SYNDROME; DEAFNESS, AUTOSOMAL DOMINANT 1, WITH OR WITHOUT THROMBOCYTOPENIA. Identifiers: Orphanet 90635, MedGen C1852282, MONDO:0007424, OMIM 124900.

Allele frequency attached by ClinVar (database versions not stated): 1000 Genomes Project 0.01737; 1000 Genomes Project 30x 0.01811; TOPMed 0.02893; gnomAD 0.03385 and 0.03434.

Submission:

Illumina Laboratory Services, Illumina
Classification: Benign for Autosomal dominant nonsyndromic hearing loss 1. Last evaluated: 2018-01-13. Review status: criteria provided, single submitter. Criteria: ICSL Variant Classification Criteria 13 December 2019. Collection method: clinical testing. Allele origin: germline.
Comment: This variant was observed in the ICSL laboratory as part of a predisposition screen in an ostensibly healthy population. It had not been previously curated by ICSL or reported in the Human Gene Mutation Database (HGMD: prior to June 1st, 2018), and was therefore a candidate for classification through an automated scoring system. Utilizing variant allele frequency, disease prevalence and penetrance estimates, and inheritance mode, an automated score was calculated to assess if this variant is too frequent to cause the disease. Based on the score and internal cut-off values, a variant classified as benign is not then subjected to further curation. The score for this variant resulted in a classification of benign for this disease.